The following is an entry in ClinVar:

NM_006231.4(POLE):c.2036G>A (p.Ser679Asn)

Gene: POLE (DNA polymerase epsilon, catalytic subunit; minus strand). Cytogenetic location: 12q24.33.
Variant type: single nucleotide variant.
Coding change: c.2036G>A on transcript NM_006231.4 (MANE Select); coding-DNA position 2036, G replaced by A.
Protein change: p.Ser679Asn; replaces serine 679 with asparagine.
Molecular consequence: missense variant.
Genome position (GRCh38, 1-based): chr12:132,668,493, C>T on the plus strand (G>A on the coding strand, the complement: POLE is on the minus strand). VCF-style: chr12-132668493-C-T. GRCh37 (hg19) VCF-style: chr12-133245079-C-T.
Other names: c.2036G>A (NM_006231.2); short protein forms S679N.
Identifiers: ClinVar variation 2097599 (VCV002097599.7), dbSNP rs1182422200, ClinGen allele CA387354442.
Genomic context (GRCh38, chr12:132,668,493, plus strand): 5'-AACAAGGGGGGGAACTTCTCTGACTCCAGCTGGTGCTGGATCCGATGGTATTCGCTGCGA[C>T]TGGCTGGCACTGGGAAGGAGGCAATGGGGGCAAGTTCAAAAGGAGGCACAGACACACCGG-3'
Protein context (NP_006222.2, residues 669-689): WQWRGEFMPA[Ser679Asn]RSEYHRIQHQ

ClinVar aggregate classification (germline): Uncertain significance. Review status: criteria provided, multiple submitters, no conflicts (2 of 4 stars). 2 submissions from 2 submitters: Uncertain significance (2). Last evaluated 2025-12-23.

Conditions:
Hereditary cancer-predisposing syndrome. Also called: Hereditary neoplastic syndrome; Neoplastic Syndromes, Hereditary; Tumor predisposition; Hereditary Cancer Syndrome. Identifiers: Orphanet 140162, MedGen C0027672, MeSH D009386, MONDO:0015356.

Allele frequency attached by ClinVar (database versions not stated): gnomAD 0.00001.

Submissions (2):

Labcorp Genetics (formerly Invitae), Labcorp
Classification: Uncertain significance. Last evaluated: 2025-12-23. Review status: criteria provided, single submitter. Criteria: Invitae Variant Classification Sherloc (09022015). Collection method: clinical testing. Allele origin: germline.
Comment: This sequence change replaces serine, which is neutral and polar, with asparagine, which is neutral and polar, at codon 679 of the POLE protein (p.Ser679Asn). This variant is not present in population databases (gnomAD no frequency). This variant has not been reported in the literature in individuals affected with POLE-related conditions. ClinVar contains an entry for this variant (Variation ID: 2097599). Invitae Evidence Modeling of protein sequence and biophysical properties (such as structural, functional, and spatial information, amino acid conservation, physicochemical variation, residue mobility, and thermodynamic stability) indicates that this missense variant is not expected to disrupt POLE protein function with a negative predictive value of 80%. In summary, the available evidence is currently insufficient to determine the role of this variant in disease. Therefore, it has been classified as a Variant of Uncertain Significance.

Ambry Genetics
Classification: Uncertain significance for Hereditary cancer-predisposing syndrome. Last evaluated: 2025-04-04. Review status: criteria provided, single submitter. Criteria: Ambry Variant Classification Scheme 2023. Collection method: clinical testing. Allele origin: germline.
Comment: The p.S679N variant (also known as c.2036G>A), located in coding exon 19 of the POLE gene, results from a G to A substitution at nucleotide position 2036. The serine at codon 679 is replaced by asparagine, an amino acid with highly similar properties. This amino acid position is conserved. In addition, this alteration is predicted to be tolerated by in silico analysis. Since supporting evidence is limited at this time, the clinical significance of this alteration remains unclear.